The following is an entry in ClinVar:

NM_201596.3(CACNB2):c.1545A>G (p.Gln515=)

Gene: CACNB2 (calcium voltage-gated channel auxiliary subunit beta 2; plus strand). Cytogenetic location: 10p12.31.
Variant type: single nucleotide variant.
Coding change: c.1545A>G on transcript NM_201596.3 (MANE Select); coding-DNA position 1545, A replaced by G.
Protein change: p.Gln515=; no amino-acid change (glutamine 515 retained).
Molecular consequence: synonymous variant.
Genome position (GRCh38, 1-based): chr10:18,539,286, A>G. VCF-style: chr10-18539286-A-G. GRCh37 (hg19) VCF-style: chr10-18828215-A-G.
Other names: c.1380A>G, p.Gln460= (NM_000724.4); c.1347A>G, p.Gln449= (NM_001167945.2); c.1266A>G, p.Gln422= (NM_001330060.2); c.1287A>G, p.Gln429= (NM_001410882.1); c.1401A>G, p.Gln467= (NM_201570.3); c.1461A>G, p.Gln487= (NM_201571.4); c.1389A>G, p.Gln463= (NM_201572.4); c.1383A>G, p.Gln461= (NM_201590.3); and 3 more.
Identifiers: ClinVar variation 1980267 (VCV001980267.5), dbSNP rs757266593, ClinGen allele CA5430094.
Genomic context (GRCh38, chr10:18,539,286, plus strand): 5'-CCAGGGTTCTCAAGGTGATCAGAGGACTGATCGCTCCGCTCCTATCCGTTCTGCTTCCCA[A>G]GCTGAAGAAGAACCTAGTGTGGAACCAGTCAAGAAATCCCAGCACCGCTCTTCCTCCTCA-3'
Protein context (NP_963890.2, residues 505-525): DRSAPIRSAS[Gln515=]AEEEPSVEPV

ClinVar aggregate classification (germline): Uncertain significance. Review status: criteria provided, multiple submitters, no conflicts (2 of 4 stars). 2 submissions from 2 submitters: Uncertain significance (2). Last evaluated 2024-08-26.

Conditions:
Brugada syndrome 4 (BRGDA4). Identifiers: Orphanet 130, MedGen C2678477, MONDO:0012743, OMIM 611876.
Cardiovascular phenotype. Identifiers: MedGen CN230736.

Allele frequency attached by ClinVar (database versions not stated): TOPMed below 0.00001; ExAC 0.00001; gnomAD exomes 0.00001.
gnomAD v4.1: 18 of 1,613,962 alleles (0.0011%); highest among the groups gnomAD compares: Non-Finnish European, 0.0015%; no homozygotes.

Submissions (2):

Ambry Genetics
Classification: Uncertain significance for Cardiovascular phenotype. Last evaluated: 2024-08-26. Review status: criteria provided, single submitter. Criteria: Ambry Variant Classification Scheme 2023. Collection method: clinical testing. Allele origin: germline.
Comment: The c.1383A>G variant (also known as p.Q461Q), located in coding exon 13 of the CACNB2 gene, results from an A to G substitution at nucleotide position 1383. This nucleotide substitution does not change the amino acid at codon 461. This nucleotide position is not well conserved in available vertebrate species. In silico splice site analysis predicts that this alteration will result in the creation or strengthening of a novel splice acceptor site. The evidence for this gene-disease relationship is limited; therefore, the clinical significance of this alteration is unclear.

Labcorp Genetics (formerly Invitae), Labcorp
Classification: Uncertain significance for Brugada syndrome 4. Last evaluated: 2022-08-13. Review status: criteria provided, single submitter. Criteria: Invitae Variant Classification Sherloc (09022015). Collection method: clinical testing. Allele origin: germline.
Comment: In summary, the available evidence is currently insufficient to determine the role of this variant in disease. Therefore, it has been classified as a Variant of Uncertain Significance. Algorithms developed to predict the effect of sequence changes on RNA splicing suggest that this variant may disrupt the consensus splice site. This variant has not been reported in the literature in individuals affected with CACNB2-related conditions. This variant is present in population databases (rs757266593, gnomAD 0.0009%). This sequence change affects codon 461 of the CACNB2 mRNA. It is a 'silent' change, meaning that it does not change the encoded amino acid sequence of the CACNB2 protein.